The following is an entry in ClinVar:

NM_016373.4(WWOX):c.*1G>C

Genes: MAF (MAF bZIP transcription factor; minus strand), WWOX (WW domain containing oxidoreductase; plus strand). Cytogenetic location: 16q23.2.
Variant type: single nucleotide variant.
Coding change: c.*1G>C on transcript NM_016373.4 (MANE Select); 1 bases downstream of the stop codon, G replaced by C.
Molecular consequence: 3 prime UTR variant.
Genome position (GRCh38, 1-based): chr16:79,211,797, G>C. VCF-style: chr16-79211797-G-C. GRCh37 (hg19) VCF-style: chr16-79245694-G-C.
Other names: c.*1G>C (NM_001291997.2).
Identifiers: ClinVar variation 390019 (VCV000390019.1), dbSNP rs768801024, ClinGen allele CA8183813.

ClinVar aggregate classification (germline): Likely benign (1 of 4 stars; one submission).

Allele frequency attached by ClinVar (database versions not stated): TOPMed 0.00001; ExAC 0.00001; gnomAD 0.00003.
gnomAD v4.1: 10 of 1,613,958 alleles (0.00062%); highest among the groups gnomAD compares: Non-Finnish European, 0.00076%; no homozygotes.

Submission:

GeneDx
Classification: Likely benign. Last evaluated: 2016-10-18. Review status: criteria provided, single submitter. Criteria: GeneDx Variant Classification (06012015). Collection method: clinical testing. Allele origin: germline. Affected: yes.
Comment: This variant is considered likely benign or benign based on one or more of the following criteria: it is a conservative change, it occurs at a poorly conserved position in the protein, it is predicted to be benign by multiple in silico algorithms, and/or has population frequency not consistent with disease.